The following is an entry in ClinVar:

NM_018676.4(THSD1):c.2159G>A (p.Gly720Asp)

Gene: THSD1 (thrombospondin type 1 domain containing 1; minus strand). Cytogenetic location: 13q14.3.
Variant type: single nucleotide variant.
Coding change: c.2159G>A on transcript NM_018676.4 (MANE Select); coding-DNA position 2159, G replaced by A.
Protein change: p.Gly720Asp; replaces glycine 720 with aspartic acid.
Molecular consequence: missense variant.
Genome position (GRCh38, 1-based): chr13:52,377,811, C>T on the plus strand (G>A on the coding strand, the complement: THSD1 is on the minus strand). VCF-style: chr13-52377811-C-T. GRCh37 (hg19) VCF-style: chr13-52951946-C-T.
Other names: c.2000G>A, p.Gly667Asp (NM_199263.3); short protein forms G667D, G720D.
Identifiers: ClinVar variation 4885787 (VCV004885787.2).

ClinVar aggregate classification (germline): Uncertain significance (1 of 4 stars; one submission).

gnomAD v4.1: 1 of 1,614,186 alleles (0.000062%); highest among the groups gnomAD compares: Non-Finnish European, 0.000085%; no homozygotes.

Submission:

Dasa
Classification: Uncertain significance. Last evaluated: 2025-11-10. Review status: criteria provided, single submitter. Criteria: DASA Assertion Criteria. Collection method: clinical testing. Allele origin: germline.
Comment: NM_018676.4(THSD1):c.2159G>A (p.Gly720Asp) is a missense variant that results in the substitution of glycine with aspartic acid. This variant is rare in population databases. Computational prediction algorithms are consistent with a benign effect. The currently available literature and clinical evidence are not sufficient to establish a definitive association between this variant and the reported condition. Therefore, this variant is classified as a variant of uncertain significance.